The following is an entry in ClinVar:

NM_021930.6(RINT1):c.844G>A (p.Glu282Lys)

Gene: RINT1 (RAD50 interactor 1; plus strand). Cytogenetic location: 7q22.3.
Variant type: single nucleotide variant.
Coding change: c.844G>A on transcript NM_021930.6 (MANE Select); coding-DNA position 844, G replaced by A.
Protein change: p.Glu282Lys; replaces glutamic acid 282 with lysine.
Molecular consequence: missense variant. On other transcripts: 5 prime UTR variant (2), non-coding transcript variant (1), intron variant (1).
Genome position (GRCh38, 1-based): chr7:105,548,558, G>A. VCF-style: chr7-105548558-G-A. GRCh37 (hg19) VCF-style: chr7-105189005-G-A.
Other names: c.610G>A, p.Glu204Lys (NM_001346599.2); c.-176G>A (NM_001346600.2); c.-81G>A (NM_001346601.2); c.-27-1497G>A (NM_001346603.2); short protein forms E282K, E204K.
Identifiers: ClinVar variation 1763429 (VCV001763429.2), dbSNP rs2485127409, ClinGen allele CA368807820.

ClinVar aggregate classification (germline): Uncertain significance (1 of 4 stars; one submission).

Allele frequency attached by ClinVar (database versions not stated): gnomAD exomes below 0.00001.
gnomAD v4.1: 1 of 1,613,996 alleles (0.000062%); highest among the groups gnomAD compares: Non-Finnish European, 0.000085%; no homozygotes.

Submission:

Ambry Genetics
Classification: Uncertain significance. Last evaluated: 2022-04-05. Review status: criteria provided, single submitter. Criteria: Ambry Variant Classification Scheme 2023. Collection method: clinical testing. Allele origin: germline.
Comment: The p.E282K variant (also known as c.844G>A), located in coding exon 7 of the RINT1 gene, results from a G to A substitution at nucleotide position 844. The glutamic acid at codon 282 is replaced by lysine, an amino acid with similar properties. This amino acid position is conserved. In addition, the in silico prediction for this alteration is inconclusive. Since supporting evidence is limited at this time, the clinical significance of this alteration remains unclear.